The following is an entry in ClinVar:

ClinVar aggregate classification (germline): Uncertain significance (1 of 4 stars; one submission).

Submission:

Labcorp Genetics (formerly Invitae), Labcorp
Classification: Uncertain significance. Last evaluated: 2023-06-20. Review status: criteria provided, single submitter. Criteria: Invitae Variant Classification Sherloc (09022015). Collection method: clinical testing. Allele origin: germline.
Comment: This sequence change replaces glycine, which is neutral and non-polar, with aspartic acid, which is acidic and polar, at codon 2911 of the COL7A1 protein (p.Gly2911Asp). In summary, the available evidence is currently insufficient to determine the role of this variant in disease. Therefore, it has been classified as a Variant of Uncertain Significance. Advanced modeling of protein sequence and biophysical properties (such as structural, functional, and spatial information, amino acid conservation, physicochemical variation, residue mobility, and thermodynamic stability) performed at Invitae indicates that this missense variant is expected to disrupt COL7A1 protein function. This variant has not been reported in the literature in individuals affected with COL7A1-related conditions. This variant is not present in population databases (gnomAD no frequency).

NM_000094.4(COL7A1):c.8732G>A (p.Gly2911Asp)

Gene: COL7A1 (collagen type VII alpha 1 chain; minus strand). Cytogenetic location: 3p21.31.
Variant type: single nucleotide variant.
Coding change: c.8732G>A on transcript NM_000094.4 (MANE Select); coding-DNA position 8732, G replaced by A.
Protein change: p.Gly2911Asp; replaces glycine 2911 with aspartic acid.
Molecular consequence: missense variant.
Genome position (GRCh38, 1-based): chr3:48,564,869, C>T on the plus strand (G>A on the coding strand, the complement: COL7A1 is on the minus strand). VCF-style: chr3-48564869-C-T. GRCh37 (hg19) VCF-style: chr3-48602302-C-T.
Other names: short protein forms G2911D.
Identifiers: ClinVar variation 2713591 (VCV002713591.3), dbSNP rs2530795855, ClinGen allele CA352633021.
Genomic context (GRCh38, chr3:48,564,869, plus strand): 5'-GGTGGGCAGCGGCGCTCGCAGGCCTCACGGGTCCCAAAACGGTTGGCATTCCCTCCACAG[C>T]CACCATAGACAAAAGGGTGACAGGCCTCTGTGCTGCCTGTCACAGCCCGATGGTACCAGC-3'
Protein context (NP_000085.1, residues 2901-2921): TEACHPFVYG[Gly2911Asp]CGGNANRFGT